The following is an entry in ClinVar:

NM_002187.3(IL12B):c.134T>C (p.Met45Thr)

Gene: IL12B (interleukin 12B; minus strand). Cytogenetic location: 5q33.3.
Variant type: single nucleotide variant.
Coding change: c.134T>C on transcript NM_002187.3 (MANE Select); coding-DNA position 134, T replaced by C.
Protein change: p.Met45Thr; replaces methionine 45 with threonine.
Molecular consequence: missense variant.
Genome position (GRCh38, 1-based): chr5:159,323,284, A>G on the plus strand (T>C on the coding strand, the complement: IL12B is on the minus strand). VCF-style: chr5-159323284-A-G. GRCh37 (hg19) VCF-style: chr5-158750292-A-G.
Other names: short protein forms M45T.
Identifiers: ClinVar variation 862005 (VCV000862005.9), dbSNP rs1192156895, ClinGen allele CA362036830.

ClinVar aggregate classification (germline): Uncertain significance (1 of 4 stars; one submission).

Conditions:
Mendelian susceptibility to mycobacterial diseases due to complete IL12B deficiency. Also called: IL12B DEFICIENCY; Immunodeficiency 29. Identifiers: Orphanet 319558, MedGen C4013948, MONDO:0013954, OMIM 614890.

Allele frequency attached by ClinVar (database versions not stated): TOPMed below 0.00001.

Submission:

Labcorp Genetics (formerly Invitae), Labcorp
Classification: Uncertain significance for Mendelian susceptibility to mycobacterial diseases due to complete IL12B deficiency. Last evaluated: 2025-11-03. Review status: criteria provided, single submitter. Criteria: Invitae Variant Classification Sherloc (09022015). Collection method: clinical testing. Allele origin: germline.
Comment: This sequence change replaces methionine, which is neutral and non-polar, with threonine, which is neutral and polar, at codon 45 of the IL12B protein (p.Met45Thr). This variant is not present in population databases (gnomAD no frequency). This variant has not been reported in the literature in individuals affected with IL12B-related conditions. ClinVar contains an entry for this variant (Variation ID: 862005). Invitae Evidence Modeling of protein sequence and biophysical properties (such as structural, functional, and spatial information, amino acid conservation, physicochemical variation, residue mobility, and thermodynamic stability) indicates that this missense variant is not expected to disrupt IL12B protein function with a negative predictive value of 80%. In summary, the available evidence is currently insufficient to determine the role of this variant in disease. Therefore, it has been classified as a Variant of Uncertain Significance.